The following is an entry in ClinVar:

ClinVar aggregate classification (germline): Uncertain significance (1 of 4 stars; one submission).

Allele frequency attached by ClinVar (database versions not stated): gnomAD exomes 0.00001.
gnomAD v4.1: 3 of 1,614,202 alleles (0.00019%); highest among the groups gnomAD compares: Admixed American, 0.0017%; no homozygotes.

Submission:

Labcorp Genetics (formerly Invitae), Labcorp
Classification: Uncertain significance. Last evaluated: 2025-06-16. Review status: criteria provided, single submitter. Criteria: Invitae Variant Classification Sherloc (09022015). Collection method: clinical testing. Allele origin: germline.
Comment: This sequence change replaces glycine, which is neutral and non-polar, with aspartic acid, which is acidic and polar, at codon 733 of the MICAL1 protein (p.Gly733Asp). This variant is not present in population databases (gnomAD no frequency). This variant has not been reported in the literature in individuals affected with MICAL1-related conditions. ClinVar contains an entry for this variant (Variation ID: 1976535). An algorithm developed to predict the effect of missense changes on protein structure and function (PolyPhen-2) suggests that this variant is likely to be disruptive. In summary, the available evidence is currently insufficient to determine the role of this variant in disease. Therefore, it has been classified as a Variant of Uncertain Significance.

NM_022765.4(MICAL1):c.2141G>A (p.Gly714Asp)

Gene: MICAL1 (microtubule associated monooxygenase, calponin and LIM domain containing 1; minus strand). Cytogenetic location: 6q21.
Variant type: single nucleotide variant.
Coding change: c.2141G>A on transcript NM_022765.4 (MANE Select); coding-DNA position 2141, G replaced by A.
Protein change: p.Gly714Asp; replaces glycine 714 with aspartic acid.
Molecular consequence: missense variant.
Genome position (GRCh38, 1-based): chr6:109,447,159, C>T on the plus strand (G>A on the coding strand, the complement: MICAL1 is on the minus strand). VCF-style: chr6-109447159-C-T. GRCh37 (hg19) VCF-style: chr6-109768362-C-T.
Other names: c.1883G>A, p.Gly628Asp (NM_001159291.2); c.2198G>A, p.Gly733Asp (NM_001286613.2); short protein forms G733D, G628D, G714D.
Identifiers: ClinVar variation 1976535 (VCV001976535.5), dbSNP rs2482779817, ClinGen allele CA365225660.